The following is an entry in ClinVar:

NM_022834.5(VWA1):c.161G>C (p.Arg54Pro)

Gene: VWA1 (von Willebrand factor A domain containing 1; plus strand). Cytogenetic location: 1p36.33.
Variant type: single nucleotide variant.
Coding change: c.161G>C on transcript NM_022834.5 (MANE Select); coding-DNA position 161, G replaced by C.
Protein change: p.Arg54Pro; replaces arginine 54 with proline.
Molecular consequence: missense variant. On other transcripts: intron variant (1).
Genome position (GRCh38, 1-based): chr1:1,437,014, G>C. VCF-style: chr1-1437014-G-C. GRCh37 (hg19) VCF-style: chr1-1372394-G-C.
Other names: c.74-308G>C (NM_199121.3); c.161G>C (NM_022834.4); short protein forms R54P.
Identifiers: ClinVar variation 3237466 (VCV003237466.3), dbSNP rs769761723.
Genomic context (GRCh38, chr1:1,437,014, plus strand): 5'-ACCTGATGTTCCTGCTGGACAGCTCAGCCAGCGTCTCTCACTACGAGTTCTCCCGGGTTC[G>C]GGAGTTTGTGGGGCAGCTGGTGGCTCCACTGCCCCTGGGCACCGGGGCCCTGCGTGCCAG-3'
Protein context (NP_073745.2, residues 44-64): SVSHYEFSRV[Arg54Pro]EFVGQLVAPL

ClinVar aggregate classification (germline): Conflicting classifications of pathogenicity. Review status: criteria provided, conflicting classifications (1 of 4 stars). 3 submissions from 3 submitters: Likely pathogenic (1); Uncertain significance (2). Last evaluated 2024-09-16.

Conditions:
Neuronopathy, distal hereditary motor, autosomal recessive 7. Also called: NEUROPATHY, HEREDITARY MOTOR, WITH MYOPATHIC FEATURES; NEUROPATHY, DISTAL HEREDITARY MOTOR, AUTOSOMAL RECESSIVE 7. Identifiers: MedGen C5543119, MONDO:0030977, OMIM 619216.

gnomAD v4.1: 34 of 1,612,336 alleles (0.0021%); highest among the groups gnomAD compares: Admixed American, 0.057%; no homozygotes.

Submissions (3):

GeneDx
Classification: Uncertain significance. Last evaluated: 2024-09-16. Review status: criteria provided, single submitter. Criteria: GeneDx Variant Classification Process June 2021. Collection method: clinical testing. Allele origin: germline. Affected: yes.
Comment: In silico analysis supports that this missense variant has a deleterious effect on protein structure/function; Has not been previously published as pathogenic or benign to our knowledge

Ambry Genetics
Classification: Uncertain significance. Last evaluated: 2024-07-09. Review status: criteria provided, single submitter. Criteria: Ambry Variant Classification Scheme 2023. Collection method: clinical testing. Allele origin: germline.

Baylor Genetics
Classification: Likely pathogenic for Neuronopathy, distal hereditary motor, autosomal recessive 7. Last evaluated: 2024-02-05. Review status: criteria provided, single submitter. Criteria: ACMG Guidelines, 2015. Collection method: clinical testing. Allele origin: unknown.